The following is an entry in ClinVar:

ClinVar aggregate classification (germline): Uncertain significance (1 of 4 stars; one submission).

Submission:

Labcorp Genetics (formerly Invitae), Labcorp
Classification: Uncertain significance. Last evaluated: 2025-03-09. Review status: criteria provided, single submitter. Criteria: Invitae Variant Classification Sherloc (09022015). Collection method: clinical testing. Allele origin: germline.
Comment: This sequence change replaces phenylalanine, which is neutral and non-polar, with leucine, which is neutral and non-polar, at codon 267 of the TUBA8 protein (p.Phe267Leu). This variant is not present in population databases (gnomAD no frequency). This variant has not been reported in the literature in individuals affected with TUBA8-related conditions. Invitae Evidence Modeling of protein sequence and biophysical properties (such as structural, functional, and spatial information, amino acid conservation, physicochemical variation, residue mobility, and thermodynamic stability) indicates that this missense variant is expected to disrupt TUBA8 protein function with a positive predictive value of 80%. In summary, the available evidence is currently insufficient to determine the role of this variant in disease. Therefore, it has been classified as a Variant of Uncertain Significance.

NM_018943.3(TUBA8):c.799T>C (p.Phe267Leu)

Gene: TUBA8 (tubulin alpha 8; plus strand). Cytogenetic location: 22q11.21.
Variant type: single nucleotide variant.
Coding change: c.799T>C on transcript NM_018943.3 (MANE Select); coding-DNA position 799, T replaced by C.
Protein change: p.Phe267Leu; replaces phenylalanine 267 with leucine.
Molecular consequence: missense variant.
Genome position (GRCh38, 1-based): chr22:18,126,777, T>C. VCF-style: chr22-18126777-T-C. GRCh37 (hg19) VCF-style: chr22-18609544-T-C.
Other names: c.601T>C, p.Phe201Leu (NM_001193414.2); short protein forms F201L, F267L.
Identifiers: ClinVar variation 4772655 (VCV004772655.1).
Genomic context (GRCh38, chr22:18,126,777, plus strand): 5'-GCCCTCAATGTGGACCTCACTGAGTTCCAGACCAACCTGGTGCCCTACCCCCGCATCCAC[T>C]TCCCGCTGGTCACCTACGCGCCCATCATCTCTGCCGAGAAAGCCTATCACGAACAGCTCT-3'
Protein context (NP_061816.1, residues 257-277): TNLVPYPRIH[Phe267Leu]PLVTYAPIIS